The following is an entry in ClinVar:

ClinVar aggregate classification (germline): Pathogenic (1 of 4 stars; one submission).

Conditions:
Congenital muscular dystrophy due to integrin alpha-7 deficiency. Also called: Congenital muscular dystrophy with integrin alpha-7 deficiency; Muscular dystrophy, congenital, due to ITGA7 deficiency; MYOPATHY, CONGENITAL, DUE TO INTEGRIN ALPHA-7 DEFICIENCY. Identifiers: Orphanet 34520, MedGen C2750786, MONDO:0013177, OMIM 613204.

Allele frequency attached by ClinVar (database versions not stated): gnomAD exomes below 0.00001; TOPMed 0.00001.

Submission:

Labcorp Genetics (formerly Invitae), Labcorp
Classification: Pathogenic for Congenital muscular dystrophy due to integrin alpha-7 deficiency. Last evaluated: 2023-10-13. Review status: criteria provided, single submitter. Criteria: Invitae Variant Classification Sherloc (09022015). Collection method: clinical testing. Allele origin: germline.
Comment: This sequence change creates a premature translational stop signal (p.Leu443Valfs*13) in the ITGA7 gene. It is expected to result in an absent or disrupted protein product. Loss-of-function variants in ITGA7 are known to be pathogenic (PMID: 9590299). This variant is present in population databases (no rsID available, gnomAD 0.003%). This variant has not been reported in the literature in individuals affected with ITGA7-related conditions. Algorithms developed to predict the effect of sequence changes on RNA splicing suggest that this variant may disrupt the consensus splice site. For these reasons, this variant has been classified as Pathogenic.

Literature cited by the submitters: PubMed 9590299.

NM_002206.3(ITGA7):c.1327_1328del (p.Leu443fs)

Gene: ITGA7 (integrin subunit alpha 7; minus strand). Cytogenetic location: 12q13.2.
Variant type: Deletion.
Coding change: c.1327_1328del on transcript NM_002206.3 (MANE Select); coding-DNA positions 1327 to 1328, 2 bases deleted (CT; older notation c.1327_1328delCT).
Protein change: p.Leu443fs; shifts the reading frame from leucine 443.
Molecular consequence: frameshift variant. On other transcripts: intron variant (1).
Genome position (GRCh38, 1-based): chr12:55,697,776-55,697,777, AG deleted on the plus strand (CT on the coding strand, the reverse complement: ITGA7 is on the minus strand). VCF-style (leftmost placement, unchanged base first): chr12-55697775-CAG-C. GRCh37 (hg19) VCF-style: chr12-56091559-CAG-C.
Other names: c.1339_1340del, p.Leu447fs (NM_001144996.2, NM_001414029.1); c.1048_1049del, p.Leu350fs (NM_001144997.2); c.1000_1001del, p.Leu334fs (NM_001367993.1); c.1327_1328del, p.Leu443fs (NM_001374465.1, NM_001414034.1); c.1459_1460del, p.Leu487fs (NM_001410977.1); c.1252_1253del, p.Leu418fs (NM_001414030.1); c.1240_1241del, p.Leu414fs (NM_001414031.1); c.1207_1208del, p.Leu403fs (NM_001414032.1); and 3 more; short protein forms L330fs, L418fs, L443fs, L334fs, L350fs, L414fs, L447fs, L382fs.
Identifiers: ClinVar variation 2911826 (VCV002911826.3), dbSNP rs1159266550, ClinGen allele CA605247077.